The following is an entry in ClinVar:

ClinVar aggregate classification (germline): Benign. Review status: criteria provided, single submitter (1 of 4 stars). 2 submissions from 2 submitters: Benign (1). 1 of the submissions does not count toward it. Last evaluated 2023-02-01.

Conditions:
FAT3-related disorder. Also called: FAT3-related condition.

Allele frequency attached by ClinVar (database versions not stated): 1000 Genomes Project 0.00539; 1000 Genomes Project 30x 0.00593; TOPMed 0.00841; gnomAD 0.00905; ESP Exome Variant Server 0.00941; ExAC 0.01017; gnomAD exomes 0.01268.
gnomAD v4.1: 19,886 of 1,613,684 alleles (1.2%); highest among the groups gnomAD compares: Middle Eastern, 1.5%; 137 homozygotes.

Submissions (2):

CeGaT Center for Human Genetics Tuebingen
Classification: Benign. Last evaluated: 2023-02-01. Review status: criteria provided, single submitter. Criteria: CeGaT Center For Human Genetics Tuebingen Variant Classification Criteria Version 2. Collection method: clinical testing. Allele origin: germline. Affected: yes. Observed: 1 variant allele.
Comment: FAT3: BP4, BS1, BS2

PreventionGenetics, part of Exact Sciences
Classification: Benign for FAT3-related condition. Last evaluated: 2019-02-27. Review status: no assertion criteria provided. Collection method: clinical testing. Allele origin: germline. Not counted in ClinVar's aggregate classification.
Comment: This variant is classified as benign based on ACMG/AMP sequence variant interpretation guidelines (Richards et al. 2015 PMID: 25741868, with internal and published modifications).

NM_001367949.2(FAT3):c.9985A>G (p.Ile3329Val)

Gene: FAT3 (FAT atypical cadherin 3; plus strand). Cytogenetic location: 11q14.3.
Variant type: single nucleotide variant.
Coding change: c.9985A>G on transcript NM_001367949.2 (MANE Select); coding-DNA position 9985, A replaced by G.
Protein change: p.Ile3329Val; replaces isoleucine 3329 with valine.
Molecular consequence: missense variant.
Genome position (GRCh38, 1-based): chr11:92,834,983, A>G. VCF-style: chr11-92834983-A-G. GRCh37 (hg19) VCF-style: chr11-92568149-A-G.
Other names: c.9985A>G, p.Ile3329Val (NM_001008781.3); c.9985A>G (NM_001008781.2); short protein forms I3329V.
Identifiers: ClinVar variation 2642280 (VCV002642280.25), dbSNP rs75651194, ClinGen allele CA6227957.